The following is an entry in ClinVar:

NM_153033.5(KCTD7):c.239T>C (p.Met80Thr)

Gene: KCTD7 (potassium channel tetramerization domain containing 7; plus strand). Cytogenetic location: 7q11.21.
Variant type: single nucleotide variant.
Coding change: c.239T>C on transcript NM_153033.5 (MANE Select); coding-DNA position 239, T replaced by C.
Protein change: p.Met80Thr; replaces methionine 80 with threonine.
Molecular consequence: missense variant.
Genome position (GRCh38, 1-based): chr7:66,633,369, T>C. VCF-style: chr7-66633369-T-C. GRCh37 (hg19) VCF-style: chr7-66098356-T-C.
Other names: c.239T>C, p.Met80Thr (NM_001167961.2); short protein forms M80T.
Identifiers: ClinVar variation 841460 (VCV000841460.14), dbSNP rs202167686, ClinGen allele CA160219742.

ClinVar aggregate classification (germline): Uncertain significance. Review status: criteria provided, multiple submitters, no conflicts (2 of 4 stars). 4 submissions from 4 submitters: Uncertain significance (4). Last evaluated 2024-09-06.

Conditions:
Progressive myoclonic epilepsy type 3. Also called: EPILEPSY, PROGRESSIVE MYOCLONIC, 3, WITHOUT INTRACELLULAR INCLUSIONS; KCTD7-Related Progressive Myoclonic Epilepsy; EPILEPSY, PROGRESSIVE MYOCLONIC, 3, WITH OR WITHOUT INTRACELLULAR INCLUSIONS; CEROID LIPOFUSCINOSIS, NEURONAL, 14. Identifiers: Orphanet 263516, MedGen C2673257, MONDO:0012721, OMIM 611726.

Allele frequency attached by ClinVar (database versions not stated): gnomAD exomes below 0.00001 and 0.00005; gnomAD 0.00001; TOPMed 0.00001.
gnomAD v4.1: 70 of 1,613,924 alleles (0.0043%); highest among the groups gnomAD compares: Non-Finnish European, 0.0059%; no homozygotes.

Submissions (4):

GeneDx
Classification: Uncertain significance. Last evaluated: 2024-09-06. Review status: criteria provided, single submitter. Criteria: GeneDx Variant Classification Process June 2021. Collection method: clinical testing. Allele origin: germline. Affected: yes.
Comment: Not observed at significant frequency in large population cohorts (gnomAD); In silico analysis supports that this missense variant has a deleterious effect on protein structure/function; Has not been previously published as pathogenic or benign to our knowledge

Labcorp Genetics (formerly Invitae), Labcorp
Classification: Uncertain significance for Progressive myoclonic epilepsy type 3. Last evaluated: 2024-08-08. Review status: criteria provided, single submitter. Criteria: Invitae Variant Classification Sherloc (09022015). Collection method: clinical testing. Allele origin: germline.
Comment: This sequence change replaces methionine, which is neutral and non-polar, with threonine, which is neutral and polar, at codon 80 of the KCTD7 protein (p.Met80Thr). This variant is present in population databases (rs202167686, gnomAD 0.003%). This missense change has been observed in individual(s) with clinical features of KCTD7-related disease (Invitae). ClinVar contains an entry for this variant (Variation ID: 841460). Advanced modeling of protein sequence and biophysical properties (such as structural, functional, and spatial information, amino acid conservation, physicochemical variation, residue mobility, and thermodynamic stability) performed at Invitae indicates that this missense variant is expected to disrupt KCTD7 protein function with a positive predictive value of 80%. In summary, the available evidence is currently insufficient to determine the role of this variant in disease. Therefore, it has been classified as a Variant of Uncertain Significance.

Fulgent Genetics
Classification: Uncertain significance for Progressive myoclonic epilepsy type 3. Last evaluated: 2024-03-26. Review status: criteria provided, single submitter. Criteria: ACMG Guidelines, 2015. Collection method: clinical testing. Allele origin: germline.

Illumina Laboratory Services, Illumina
Classification: Uncertain significance for Progressive myoclonic epilepsy type 3. Last evaluated: 2022-02-23. Review status: criteria provided, single submitter. Criteria: ICSLVariantClassificationCriteria RUGD 01 April 2020. Collection method: clinical testing. Allele origin: unknown.
Comment: The KCTD7 c.239T>C (p.Met80Thr) missense variant results in the substitution of methionine at amino acid position 80 with threonine. To our knowledge, this variant has not been reported in the peer-reviewed literature. This variant is reported in the Genome Aggregation Database in one allele at a frequency of 0.000009 in the European (non-Finnish) population (version 2.1.1). The c.239T>C variant lies within the BTB domain, which is reported to be involved in ubiquitination and may impact autophagy pathways (Metz et al. 2019). Multiple lines of computational evidence suggest the variant may have a deleterious effect on the gene or gene product. Based on the available evidence, the c.239T>C (p.Met80Thr) variant is classified as a variant of uncertain significance for progressive myoclonic epilepsy.

Literature cited by the submitters: PubMed 30295347 (cited by Illumina Laboratory Services, Illumina).